The following is an entry in ClinVar:

ClinVar aggregate classification (germline): Likely benign (1 of 4 stars; one submission).

Allele frequency attached by ClinVar (database versions not stated): ExAC 0.00005.
gnomAD v4.1: 42 of 1,614,056 alleles (0.0026%); highest among the groups gnomAD compares: South Asian, 0.044%; no homozygotes.

Submission:

CeGaT Center for Human Genetics Tuebingen
Classification: Likely benign. Last evaluated: 2023-12-01. Review status: criteria provided, single submitter. Criteria: CeGaT Center For Human Genetics Tuebingen Variant Classification Criteria Version 2. Collection method: clinical testing. Allele origin: germline. Affected: yes. Observed: 1 variant allele.
Comment: DENND5A: BP4, BP7

NM_015213.4(DENND5A):c.3060G>A (p.Leu1020=)

Gene: DENND5A (DENN domain containing 5A; minus strand). Cytogenetic location: 11p15.4.
Variant type: single nucleotide variant.
Coding change: c.3060G>A on transcript NM_015213.4 (MANE Select); coding-DNA position 3060, G replaced by A.
Protein change: p.Leu1020=; no amino-acid change (leucine 1020 retained).
Molecular consequence: synonymous variant. On other transcripts: non-coding transcript variant (1).
Genome position (GRCh38, 1-based): chr11:9,145,057, C>T on the plus strand (G>A on the coding strand, the complement: DENND5A is on the minus strand). VCF-style: chr11-9145057-C-T. GRCh37 (hg19) VCF-style: chr11-9166604-C-T.
Other names: c.3060G>A, p.Leu1020= (NM_001243254.2, NM_001348748.1); c.2988G>A, p.Leu996= (NM_001348749.2); c.2772G>A, p.Leu924= (NM_001348750.2).
Identifiers: ClinVar variation 3026686 (VCV003026686.22), dbSNP rs757209054, ClinGen allele CA5877148.
Genomic context (GRCh38, chr11:9,145,057, plus strand): 5'-GTAGGTATGTCCTGTGATCTCATTCCTGACCATCACATACTCCACCAGCCATTTGGCATA[C>T]AGCCCAGAGTTATCATGGCCAATCTGGACAGTAGTAAGCTTCCCCAAGTTCTGGCACTAT-3'
Protein context (NP_056028.2, residues 1010-1030): TVQIGHDNSG[Leu1020=]YAKWLVEYVM